The following is an entry in ClinVar:

ClinVar aggregate classification (germline): Conflicting classifications of pathogenicity. Review status: criteria provided, conflicting classifications (1 of 4 stars). 11 submissions from 10 submitters: Uncertain significance (2); Benign (5); Likely benign (3). 1 of the submissions does not count toward it. Last evaluated 2026-06-25.

Conditions:
WFS1-Related Spectrum Disorders.
Autosomal dominant nonsyndromic hearing loss 6 (LFSNHL). Also called: Autosomal dominant nonsyndromic deafness 6; DEAFNESS, AUTOSOMAL DOMINANT 6; DEAFNESS, AUTOSOMAL DOMINANT 14; DEAFNESS, AUTOSOMAL DOMINANT 38. Identifiers: Orphanet 90635, MedGen C1833021, MONDO:0010963, OMIM 600965.
Wolfram syndrome 1 (WFS1). Identifiers: Orphanet 3463, MedGen C4551693, MONDO:0009101, OMIM 222300.

Allele frequency attached by ClinVar (database versions not stated): gnomAD 0.00018 and 0.00049; ESP Exome Variant Server 0.00031; TOPMed 0.00033; gnomAD exomes 0.00073; ExAC 0.00092; 1000 Genomes Project 30x 0.00203; 1000 Genomes Project 0.00260.
gnomAD v4.1: 1,504 of 1,612,666 alleles (0.093%); highest among the groups gnomAD compares: East Asian, 2.9%; 26 homozygotes.

Submissions (11):

Women's Health and Genetics/Laboratory Corporation of America, LabCorp
Classification: Benign. Last evaluated: 2026-06-25. Review status: criteria provided, single submitter. Criteria: LabCorp Variant Classification Summary - May 2015. Collection method: clinical testing. Allele origin: germline.
Comment: Variant summary: WFS1 c.2209G>A (p.Glu737Lys) results in a conservative amino acid change in the encoded protein sequence. Algorithms developed to predict the effect of missense changes on protein structure and function are either unavailable or do not agree on the potential impact of this missense change. The variant allele was found at a frequency of 0.00073 in 245920 control chromosomes, predominantly at a frequency of 0.0074 within the East Asian subpopulation in the gnomAD database, including 3 homozygotes. The observed variant frequency within East Asian control individuals in the gnomAD database exceeds the estimated maximal expected allele frequency for disease-causing variants in WFS1. c.2209G>A has been reported in individuals with WFS1-related hearing loss; however, these observations do not provide convincing evidence for disease association, as the variant has also been observed at elevated frequency in controls and was classified as likely benign/benign in subsequent hearing-loss variant evaluations (e.g. Baek_2012, Rim_2019). To our knowledge, no experimental evidence demonstrating an impact on protein function has been reported. The following publications have been ascertained in the context of this evaluation (PMID: 22938506, 30872718). ClinVar contains an entry for this variant (Variation ID: 143132). Based on the evidence outlined above, the variant was classified as benign.

Labcorp Genetics (formerly Invitae), Labcorp
Classification: Benign. Last evaluated: 2026-01-27. Review status: criteria provided, single submitter. Criteria: Invitae Variant Classification Sherloc (09022015). Collection method: clinical testing. Allele origin: germline.

Blueprint Genetics
Classification: Likely benign. Last evaluated: 2024-09-25. Review status: criteria provided, single submitter. Criteria: ACMG Guidelines, 2015. Collection method: clinical testing. Allele origin: germline.

GeneDx
Classification: Benign. Last evaluated: 2021-03-08. Review status: criteria provided, single submitter. Criteria: GeneDx Variant Classification Process June 2021. Collection method: clinical testing. Allele origin: germline. Affected: yes.
Comment: This variant is associated with the following publications: (PMID: 22938506, 11161832, 10760554, 29728875, 29529044, 30872718, 16408729, 11317350, 27212798, 30245029, 31264968)

Mendelics
Classification: Benign for Wolfram syndrome 1. Last evaluated: 2019-05-28. Review status: criteria provided, single submitter. Criteria: Mendelics Assertion Criteria 2017. Collection method: clinical testing. Allele origin: unknown.

Illumina Laboratory Services, Illumina
Classification: Likely benign for Autosomal dominant nonsyndromic hearing loss 6. Last evaluated: 2017-04-27. Review status: criteria provided, single submitter. Criteria: ICSL Variant Classification Criteria 13 December 2019. Collection method: clinical testing. Allele origin: germline.
Comment: This variant was observed as part of a predisposition screen in an ostensibly healthy population. A literature search was performed for the gene, cDNA change, and amino acid change (where applicable). Publications were found based on this search. The evidence from the literature, in combination with allele frequency data from public databases where available, was sufficient to determine this variant is unlikely to cause disease. Therefore, this variant is classified as likely benign.

Illumina Laboratory Services, Illumina
Classification: Likely benign for WFS1-Related Spectrum Disorders. Last evaluated: 2017-04-27. Review status: criteria provided, single submitter. Criteria: ICSL Variant Classification Criteria 13 December 2019. Collection method: clinical testing. Allele origin: germline.
Comment: the same text as in the submission from Illumina Laboratory Services, Illumina above.

CeGaT Center for Human Genetics Tuebingen
Classification: Uncertain significance. Last evaluated: 2016-09-01. Review status: criteria provided, single submitter. Criteria: CeGaT Center For Human Genetics Tuebingen Variant Classification Criteria Version 2. Collection method: clinical testing. Allele origin: germline. Affected: yes. Observed: 1 variant allele.

Soonchunhyang University Bucheon Hospital, Soonchunhyang University Medical Center
Classification: Uncertain significance for Wolfram syndrome 1. Last evaluated: 2016-03-18. Review status: criteria provided, single submitter. Criteria: ACMG Guidelines, 2015. Collection method: reference population. Allele origin: germline. Observed: 2 variant alleles.

Laboratory for Molecular Medicine, Mass General Brigham Personalized Medicine
Classification: Benign. Last evaluated: 2014-09-12. Review status: criteria provided, single submitter. Criteria: LMM Criteria. Collection method: clinical testing. Allele origin: germline. Observed: 2 variant alleles.
Comment: Glu737Lys in exon 8 of WFS1: This variant is not expected to have clinical signi ficance because it has been identified in 4/8568 of European American chromosome s by the NHLBI Exome Sequencing Project (dbSN P rs147834269) and in 6.7% (12/178) of Japanese chromosomes by the 1000 Genomes Project (dbSNP rs147834269). It is reported as a benign variant in 3 publication s (Ohtsuki 2000, Gomez-Zaera 2001, Baek 2012).

Department of Ophthalmology and Visual Sciences Kyoto University
Classification: Likely benign. Review status: no assertion criteria provided. Collection method: not provided. Allele origin: unknown. Not counted in ClinVar's aggregate classification.
ClinVar note: Converted during submission from probable-non-pathogenic to Likely benign.

Literature cited by the submitters: PubMed 30872718 (cited by Women's Health and Genetics/Laboratory Corporation of America, LabCorp); PubMed 22938506 (cited by 3 submitters); PubMed 17492394 (cited by Illumina Laboratory Services, Illumina); PubMed 20738327 (cited by Illumina Laboratory Services, Illumina); PubMed 12955714 (cited by Illumina Laboratory Services, Illumina); PubMed 11161832 (cited by Illumina Laboratory Services, Illumina and Laboratory for Molecular Medicine, Mass General Brigham Personalized Medicine); PubMed 11317350 (cited by Soonchunhyang University Bucheon Hospital, Soonchunhyang University Medical Center); PubMed 10760554 (cited by Laboratory for Molecular Medicine, Mass General Brigham Personalized Medicine).

NM_006005.3(WFS1):c.2209G>A (p.Glu737Lys)

Gene: WFS1 (wolframin ER transmembrane glycoprotein; plus strand). Cytogenetic location: 4p16.1.
Variant type: single nucleotide variant.
Coding change: c.2209G>A on transcript NM_006005.3 (MANE Select); coding-DNA position 2209, G replaced by A.
Protein change: p.Glu737Lys; replaces glutamic acid 737 with lysine.
Molecular consequence: missense variant.
Genome position (GRCh38, 1-based): chr4:6,302,004, G>A. VCF-style: chr4-6302004-G-A. GRCh37 (hg19) VCF-style: chr4-6303731-G-A.
Other names: c.2209G>A, p.Glu737Lys (NM_001145853.1); short protein forms E737K.
Identifiers: ClinVar variation 143132 (VCV000143132.65), dbSNP rs147834269, ClinGen allele CA232844.